The following is an entry in ClinVar:

ClinVar aggregate classification (germline): Uncertain significance (1 of 4 stars; one submission).

gnomAD v4.1: 1 of 1,612,224 alleles (0.000062%); highest among the groups gnomAD compares: East Asian, 0.0022%; no homozygotes.

Submission:

GeneDx
Classification: Uncertain significance. Last evaluated: 2025-12-31. Review status: criteria provided, single submitter. Criteria: GeneDx Variant Classification Process June 2021. Collection method: clinical testing. Allele origin: germline.
Comment: Not observed at significant frequency in large population cohorts (gnomAD); In silico analysis suggests that this missense variant does not alter protein structure/function; Has not been previously published as pathogenic or benign to our knowledge

NM_001348716.2(KDM6B):c.3322A>T (p.Ile1108Phe)

Gene: KDM6B (lysine demethylase 6B; plus strand). Cytogenetic location: 17p13.1.
Variant type: single nucleotide variant.
Coding change: c.3322A>T on transcript NM_001348716.2 (MANE Select); coding-DNA position 3322, A replaced by T.
Protein change: p.Ile1108Phe; replaces isoleucine 1108 with phenylalanine.
Molecular consequence: missense variant.
Genome position (GRCh38, 1-based): chr17:7,849,610, A>T. VCF-style: chr17-7849610-A-T. GRCh37 (hg19) VCF-style: chr17-7752928-A-T.
Other names: c.3322A>T, p.Ile1108Phe (NM_001080424.2); short protein forms I1108F.
Identifiers: ClinVar variation 3253346 (VCV003253346.2), dbSNP rs2544529238.